The following is an entry in ClinVar:

NM_007209.4(RPL35):c.321G>C (p.Gln107His)

Gene: RPL35 (ribosomal protein L35; minus strand). Cytogenetic location: 9q33.3.
Variant type: single nucleotide variant.
Coding change: c.321G>C on transcript NM_007209.4 (MANE Select); coding-DNA position 321, G replaced by C.
Protein change: p.Gln107His; replaces glutamine 107 with histidine.
Molecular consequence: missense variant.
Genome position (GRCh38, 1-based): chr9:124,857,969, C>G on the plus strand (G>C on the coding strand, the complement: RPL35 is on the minus strand). VCF-style: chr9-124857969-C-G. GRCh37 (hg19) VCF-style: chr9-127620248-C-G.
Other names: short protein forms Q107H.
Identifiers: ClinVar variation 4724111 (VCV004724111.1).

ClinVar aggregate classification (germline): Uncertain significance (1 of 4 stars; one submission).

Submission:

Labcorp Genetics (formerly Invitae), Labcorp
Classification: Uncertain significance. Last evaluated: 2025-12-20. Review status: criteria provided, single submitter. Criteria: Invitae Variant Classification Sherloc (09022015). Collection method: clinical testing. Allele origin: germline.
Comment: This sequence change replaces glutamine, which is neutral and polar, with histidine, which is basic and polar, at codon 107 of the RPL35 protein (p.Gln107His). This variant is not present in population databases (gnomAD no frequency). This variant has not been reported in the literature in individuals affected with RPL35-related conditions. An algorithm developed to predict the effect of missense changes on protein structure and function (PolyPhen-2) suggests that this variant is likely to be tolerated. In summary, the available evidence is currently insufficient to determine the role of this variant in disease. Therefore, it has been classified as a Variant of Uncertain Significance.